The following is an entry in ClinVar:

ClinVar aggregate classification (germline): Uncertain significance (1 of 4 stars; one submission).

Conditions:
Deficiency of ferroxidase (ACEP). Also called: Deficiency of ceruloplasmin; NEURODEGENERATION WITH BRAIN IRON ACCUMULATION 10; Ceruloplasmin deficiency; Familial apoceruloplasmin deficiency; Hereditary ceruloplasmin deficiency; Aceruloplasminemia. Identifiers: Orphanet 48818, MedGen C0878682, MONDO:0011426, OMIM 604290, HP:0025498.

Allele frequency attached by ClinVar (database versions not stated): gnomAD 0.00001; TOPMed 0.00001; ExAC 0.00002; gnomAD exomes 0.00002.
gnomAD v4.1: 13 of 1,609,258 alleles (0.00081%); highest among the groups gnomAD compares: African/African-American, 0.004%; no homozygotes.

Submission:

Labcorp Genetics (formerly Invitae), Labcorp
Classification: Uncertain significance for Deficiency of ferroxidase. Last evaluated: 2025-04-08. Review status: criteria provided, single submitter. Criteria: Invitae Variant Classification Sherloc (09022015). Collection method: clinical testing. Allele origin: germline.
Comment: This sequence change replaces arginine, which is basic and polar, with tryptophan, which is neutral and slightly polar, at codon 785 of the CP protein (p.Arg785Trp). This variant is present in population databases (rs775583038, gnomAD 0.003%). This variant has not been reported in the literature in individuals affected with CP-related conditions. ClinVar contains an entry for this variant (Variation ID: 955463). Invitae Evidence Modeling of protein sequence and biophysical properties (such as structural, functional, and spatial information, amino acid conservation, physicochemical variation, residue mobility, and thermodynamic stability) indicates that this missense variant is not expected to disrupt CP protein function with a negative predictive value of 80%. In summary, the available evidence is currently insufficient to determine the role of this variant in disease. Therefore, it has been classified as a Variant of Uncertain Significance.

NM_000096.4(CP):c.2353C>T (p.Arg785Trp)

Gene: CP (ceruloplasmin; minus strand). Cytogenetic location: 3q24.
Variant type: single nucleotide variant.
Coding change: c.2353C>T on transcript NM_000096.4 (MANE Select); coding-DNA position 2353, C replaced by T.
Protein change: p.Arg785Trp; replaces arginine 785 with tryptophan.
Molecular consequence: missense variant. On other transcripts: non-coding transcript variant (1).
Genome position (GRCh38, 1-based): chr3:149,183,538, G>A on the plus strand (C>T on the coding strand, the complement: CP is on the minus strand). VCF-style: chr3-149183538-G-A. GRCh37 (hg19) VCF-style: chr3-148901325-G-A.
Other names: short protein forms R785W.
Identifiers: ClinVar variation 955463 (VCV000955463.5), dbSNP rs775583038, ClinGen allele CA2660777.